The following is an entry in ClinVar:

ClinVar aggregate classification (germline): Uncertain significance (1 of 4 stars; one submission).

Conditions:
Inborn genetic diseases. Identifiers: MedGen C0950123, MeSH D030342.

Submission:

Ambry Genetics
Classification: Uncertain significance for Inborn genetic diseases. Last evaluated: 2025-06-28. Review status: criteria provided, single submitter. Criteria: Ambry Variant Classification Scheme 2023. Collection method: clinical testing. Allele origin: germline.
Comment: The p.L183V variant (also known as c.547C>G), located in coding exon 5 of the RECQL4 gene, results from a C to G substitution at nucleotide position 547. The leucine at codon 183 is replaced by valine, an amino acid with highly similar properties. This amino acid position is conserved. In addition, this alteration is predicted to be tolerated by in silico analysis. Based on the available evidence, the clinical significance of this variant remains unclear.

NM_004260.4(RECQL4):c.547C>G (p.Leu183Val)

Gene: RECQL4 (RecQ like helicase 4; minus strand). Cytogenetic location: 8q24.3.
Variant type: single nucleotide variant.
Coding change: c.547C>G on transcript NM_004260.4 (MANE Select); coding-DNA position 547, C replaced by G.
Protein change: p.Leu183Val; replaces leucine 183 with valine.
Molecular consequence: missense variant. On other transcripts: 5 prime UTR variant (15), non-coding transcript variant (3), intron variant (3).
Genome position (GRCh38, 1-based): chr8:144,516,572, G>C on the plus strand (C>G on the coding strand, the complement: RECQL4 is on the minus strand). VCF-style: chr8-144516572-G-C. GRCh37 (hg19) VCF-style: chr8-145741956-G-C.
Other names: c.547C>G, p.Leu183Val (NM_001413018.1, NM_001413019.1, NM_001413020.1 and 4 more transcripts); c.-525C>G (NM_001413022.1, NM_001413023.1, NM_001413024.1 and 5 more transcripts); c.418C>G, p.Leu140Val (NM_001413025.1); c.-587C>G (NM_001413027.1, NM_001413030.1, NM_001413031.1 and 2 more transcripts); c.-429C>G (NM_001413034.1); c.-794C>G (NM_001413043.1); c.355-159C>G (NM_001413029.1); c.-366-159C>G (NM_001413021.1); and 1 more; short protein forms L140V, L183V.
Identifiers: ClinVar variation 4152353 (VCV004152353.1).
Genomic context (GRCh38, chr8:144,516,572, plus strand): 5'-CCAGAAAATCTGGGACCTCACTGTGACATCGCTGTAACCAGCCAGGATCTAGGGAGCCCA[G>C]CCGCTGGCTCAGGGATGCCTGCAGATGCTGGAGCCGGCCTGGCCTTGGCTGGGGCTCAGG-3'
Protein context (NP_004251.4, residues 173-193): QHLQASLSQR[Leu183Val]GSLDPGWLQR